The following is an entry in ClinVar:

ClinVar aggregate classification (germline): Uncertain significance (1 of 4 stars; one submission).

Submission:

Labcorp Genetics (formerly Invitae), Labcorp
Classification: Uncertain significance. Last evaluated: 2022-09-27. Review status: criteria provided, single submitter. Criteria: Invitae Variant Classification Sherloc (09022015). Collection method: clinical testing. Allele origin: germline.
Comment: This sequence change replaces threonine, which is neutral and polar, with alanine, which is neutral and non-polar, at codon 335 of the OCA2 protein (p.Thr335Ala). This variant is not present in population databases (gnomAD no frequency). This variant has not been reported in the literature in individuals affected with OCA2-related conditions. Advanced modeling of protein sequence and biophysical properties (such as structural, functional, and spatial information, amino acid conservation, physicochemical variation, residue mobility, and thermodynamic stability) performed at Invitae indicates that this missense variant is not expected to disrupt OCA2 protein function. In summary, the available evidence is currently insufficient to determine the role of this variant in disease. Therefore, it has been classified as a Variant of Uncertain Significance.

NM_000275.3(OCA2):c.1003A>G (p.Thr335Ala)

Gene: OCA2 (OCA2 melanosomal transmembrane protein; minus strand). Cytogenetic location: 15q13.1.
Variant type: single nucleotide variant.
Coding change: c.1003A>G on transcript NM_000275.3 (MANE Select); coding-DNA position 1003, A replaced by G.
Protein change: p.Thr335Ala; replaces threonine 335 with alanine.
Molecular consequence: missense variant.
Genome position (GRCh38, 1-based): chr15:28,014,817, T>C on the plus strand (A>G on the coding strand, the complement: OCA2 is on the minus strand). VCF-style: chr15-28014817-T-C. GRCh37 (hg19) VCF-style: chr15-28259963-T-C.
Other names: c.1003A>G, p.Thr335Ala (NM_001300984.2); short protein forms T335A.
Identifiers: ClinVar variation 1933324 (VCV001933324.2), dbSNP rs747154172, ClinGen allele CA267907105.